The following is an entry in ClinVar:

NM_002775.5(HTRA1):c.1275-3C>T

Gene: HTRA1 (HtrA serine peptidase 1; plus strand). Cytogenetic location: 10q26.13.
Variant type: single nucleotide variant.
Coding change: c.1275-3C>T on transcript NM_002775.5 (MANE Select); 3 bases into the intron before coding-DNA position 1275, C replaced by T.
Molecular consequence: intron variant.
Genome position (GRCh38, 1-based): chr10:122,514,188, C>T. VCF-style: chr10-122514188-C-T. GRCh37 (hg19) VCF-style: chr10-124273704-C-T.
Other names: c.1275-3C>T (NM_002775.4).
Identifiers: ClinVar variation 1515239 (VCV001515239.7), dbSNP rs373947136, ClinGen allele CA5726144.

ClinVar aggregate classification (germline): Uncertain significance. Review status: criteria provided, single submitter (1 of 4 stars). 2 submissions from 2 submitters: Uncertain significance (1). 1 of the submissions does not count toward it. Last evaluated 2021-12-02.

Conditions:
HTRA1-related disorder. Also called: HTRA1-related condition.

Allele frequency attached by ClinVar (database versions not stated): TOPMed below 0.00001; ExAC 0.00001; gnomAD 0.00001; gnomAD exomes 0.00001 and 0.00004; ESP Exome Variant Server 0.00008.
gnomAD v4.1: 57 of 1,613,350 alleles (0.0035%); highest among the groups gnomAD compares: Non-Finnish European, 0.0047%; no homozygotes.

Submissions (2):

Labcorp Genetics (formerly Invitae), Labcorp
Classification: Uncertain significance. Last evaluated: 2021-12-02. Review status: criteria provided, single submitter. Criteria: Invitae Variant Classification Sherloc (09022015). Collection method: clinical testing. Allele origin: germline.
Comment: This sequence change falls in intron 8 of the HTRA1 gene. It does not directly change the encoded amino acid sequence of the HTRA1 protein. It affects a nucleotide within the consensus splice site. In summary, the available evidence is currently insufficient to determine the role of this variant in disease. Therefore, it has been classified as a Variant of Uncertain Significance. Variants that disrupt the consensus splice site are a relatively common cause of aberrant splicing (PMID: 17576681, 9536098). Algorithms developed to predict the effect of sequence changes on RNA splicing suggest that this variant is not likely to affect RNA splicing. This variant has not been reported in the literature in individuals affected with HTRA1-related conditions. This variant is present in population databases (rs373947136, gnomAD 0.003%).

PreventionGenetics, part of Exact Sciences
Classification: Likely benign for HTRA1-related condition. Last evaluated: 2024-03-02. Review status: no assertion criteria provided. Collection method: clinical testing. Allele origin: germline. Not counted in ClinVar's aggregate classification.
Comment: This variant is classified as likely benign based on ACMG/AMP sequence variant interpretation guidelines (Richards et al. 2015 PMID: 25741868, with internal and published modifications).

Literature cited by the submitters: PubMed 17576681 (cited by Labcorp Genetics (formerly Invitae), Labcorp); PubMed 9536098 (cited by Labcorp Genetics (formerly Invitae), Labcorp).